The following is an entry in ClinVar:

ClinVar aggregate classification (germline): Uncertain significance (1 of 4 stars; one submission).

Allele frequency attached by ClinVar (database versions not stated): gnomAD 0.00001; gnomAD exomes 0.00001; TOPMed 0.00002.
gnomAD v4.1: 18 of 1,613,780 alleles (0.0011%); highest among the groups gnomAD compares: Admixed American, 0.0017%; no homozygotes.

Submission:

Labcorp Genetics (formerly Invitae), Labcorp
Classification: Uncertain significance. Last evaluated: 2023-04-03. Review status: criteria provided, single submitter. Criteria: Invitae Variant Classification Sherloc (09022015). Collection method: clinical testing. Allele origin: germline.
Comment: In summary, the available evidence is currently insufficient to determine the role of this variant in disease. Therefore, it has been classified as a Variant of Uncertain Significance. Experimental studies and prediction algorithms are not available or were not evaluated, and the functional significance of this variant is currently unknown. This sequence change replaces arginine, which is basic and polar, with histidine, which is basic and polar, at codon 1858 of the SON protein (p.Arg1858His). This variant is present in population databases (no rsID available, gnomAD 0.004%). This variant has not been reported in the literature in individuals affected with SON-related conditions.

NM_138927.4(SON):c.5573G>A (p.Arg1858His)

Gene: SON (SON DNA and RNA binding protein; plus strand). Cytogenetic location: 21q22.11.
Variant type: single nucleotide variant.
Coding change: c.5573G>A on transcript NM_138927.4 (MANE Select); coding-DNA position 5573, G replaced by A.
Protein change: p.Arg1858His; replaces arginine 1858 with histidine.
Molecular consequence: missense variant. On other transcripts: non-coding transcript variant (1), intron variant (1).
Genome position (GRCh38, 1-based): chr21:33,554,804, G>A. VCF-style: chr21-33554804-G-A. GRCh37 (hg19) VCF-style: chr21-34927110-G-A.
Other names: c.5573G>A, p.Arg1858His (NM_058183.2, NM_138926.1, NM_001291411.2 and 2 more transcripts); c.245-2352G>A (NM_001291412.3); short protein forms R1858H.
Identifiers: ClinVar variation 2997202 (VCV002997202.3), dbSNP rs899563500, ClinGen allele CA320154624.